The following is an entry in ClinVar:

NM_177438.3(DICER1):c.2651-8C>G

Gene: DICER1 (dicer 1, ribonuclease III; minus strand). Cytogenetic location: 14q32.13.
Variant type: single nucleotide variant.
Coding change: c.2651-8C>G on transcript NM_177438.3 (MANE Select); 8 bases into the intron before coding-DNA position 2651, C replaced by G.
Molecular consequence: intron variant.
Genome position (GRCh38, 1-based): chr14:95,107,769, G>C on the plus strand (C>G on the coding strand, the complement: DICER1 is on the minus strand). VCF-style: chr14-95107769-G-C. GRCh37 (hg19) VCF-style: chr14-95574106-G-C.
Other names: c.2651-8C>G (NM_177438.2, NM_001291628.2, NM_030621.4 and 2 more transcripts).
Identifiers: ClinVar variation 1126246 (VCV001126246.11), dbSNP rs1377011929, ClinGen allele CA2156308809.

ClinVar aggregate classification (germline): Conflicting classifications of pathogenicity. Review status: criteria provided, conflicting classifications (1 of 4 stars). 2 submissions from 2 submitters: Uncertain significance (1); Likely benign (1). Last evaluated 2024-05-22.

Conditions:
DICER1-related tumor predisposition. Also called: DICER1-related pleuropulmonary blastoma cancer predisposition syndrome; DICER1 syndrome. Identifiers: Orphanet 284343, MedGen C3839822, MONDO:0100216.

Submissions (2):

Labcorp Genetics (formerly Invitae), Labcorp
Classification: Likely benign for DICER1-related tumor predisposition. Last evaluated: 2024-05-22. Review status: criteria provided, single submitter. Criteria: Invitae Variant Classification Sherloc (09022015). Collection method: clinical testing. Allele origin: germline.

Quest Diagnostics Nichols Institute San Juan Capistrano
Classification: Uncertain significance. Last evaluated: 2023-02-02. Review status: criteria provided, single submitter. Criteria: Quest Diagnostics criteria. Collection method: clinical testing. Allele origin: unknown.
Comment: To the best of our knowledge, the variant has not been reported in the published literature. It also has not been reported in large, multi-ethnic general populations. Analysis of this variant using software algorithms for the prediction of the effect of nucleotide changes on splicing yielded predictions that this variant does not affect DICER1 mRNA splicing . Based on the available information, we are unable to determine the clinical significance of this variant.